The following is an entry in ClinVar:

ClinVar aggregate classification (germline): Pathogenic (1 of 4 stars; one submission).

Conditions:
Hearing loss, autosomal dominant 84. Also called: DEAFNESS, AUTOSOMAL DOMINANT 84. Identifiers: MedGen C5676952, MONDO:0030724, OMIM 619810.

gnomAD v4.1: 1 of 1,612,632 alleles (0.000062%); no homozygotes.

Submission:

Laboratory of Prof. Karen Avraham, Tel Aviv University
Classification: Pathogenic for Hearing loss, autosomal dominant 84. Last evaluated: 2026-01-06. Review status: criteria provided, single submitter. Criteria: ACMG Guidelines, 2015. Collection method: research. Allele origin: germline. Inheritance: Autosomal dominant inheritance. Affected: yes. Observed: 1 heterozygote.
Comment: The ATP11A c.334-8T>G variant is not found in gnomAD and is predicted to affect splicing. Other pathogenic splice variants in this gene are known to be involved in NSHL (PMID:35278131).

Literature cited by the submitters: PubMed 35278131.

NM_015205.3(ATP11A):c.334-8T>G

Gene: ATP11A (ATPase phospholipid transporting 11A; plus strand). Cytogenetic location: 13q34.
Variant type: single nucleotide variant.
Coding change: c.334-8T>G on transcript NM_015205.3 (MANE Select); 8 bases into the intron before coding-DNA position 334, T replaced by G.
Molecular consequence: intron variant.
Genome position (GRCh38, 1-based): chr13:112,810,611, T>G. VCF-style: chr13-112810611-T-G. GRCh37 (hg19) VCF-style: chr13-113464925-T-G.
Other names: c.334-8T>G (NM_001405663.1, NM_001405661.1, NM_032189.4 and 1 more transcripts).
Identifiers: ClinVar variation 4684988 (VCV004684988.1).